The following is an entry in ClinVar:

NM_001365951.3(KIF1B):c.1547T>C (p.Ile516Thr)

Gene: KIF1B (kinesin family member 1B; plus strand). Cytogenetic location: 1p36.22.
Variant type: single nucleotide variant.
Coding change: c.1547T>C on transcript NM_001365951.3 (MANE Select); coding-DNA position 1547, T replaced by C.
Protein change: p.Ile516Thr; replaces isoleucine 516 with threonine.
Molecular consequence: missense variant.
Genome position (GRCh38, 1-based): chr1:10,292,079, T>C. VCF-style: chr1-10292079-T-C. GRCh37 (hg19) VCF-style: chr1-10352137-T-C.
Other names: c.1547T>C, p.Ile516Thr (NM_001365952.1); c.1409T>C, p.Ile470Thr (NM_001365953.1, NM_015074.3, NM_183416.4); short protein forms I470T, I516T.
Identifiers: ClinVar variation 4841890 (VCV004841890.1).

ClinVar aggregate classification (germline): Uncertain significance (1 of 4 stars; one submission).

Submission:

Ambry Genetics
Classification: Uncertain significance. Last evaluated: 2026-01-14. Review status: criteria provided, single submitter. Criteria: Ambry Variant Classification Scheme 2023. Collection method: clinical testing. Allele origin: germline.
Comment: The p.I470T variant (also known as c.1409T>C), located in coding exon 14 of the KIF1B gene, results from a T to C substitution at nucleotide position 1409. The isoleucine at codon 470 is replaced by threonine, an amino acid with similar properties. This amino acid position is conserved. In addition, this alteration is predicted to be deleterious by in silico analysis. Based on the available evidence, the clinical significance of this variant remains unclear.